The following is an entry in ClinVar:

ClinVar aggregate classification (germline): Uncertain significance. Review status: criteria provided, multiple submitters, no conflicts (2 of 4 stars). 3 submissions from 3 submitters: Uncertain significance (3). Last evaluated 2025-06-09.

Conditions:
Charcot-Marie-Tooth disease, type I (CMT1). Also called: Charcot-Marie-Tooth, Type 1; Charcot-Marie-Tooth disease type 1. Identifiers: Orphanet 65753, MedGen C0751036, MONDO:0019011.
Charcot-Marie-Tooth disease, type IA (CMT1A). Also called: CHARCOT-MARIE-TOOTH DISEASE, DEMYELINATING, TYPE 1A; CHARCOT-MARIE-TOOTH DISEASE, AUTOSOMAL DOMINANT, WITH FOCALLY FOLDED MYELIN SHEATHS, TYPE 1A; CHARCOT-MARIE-TOOTH NEUROPATHY, TYPE 1A; Charcot-Marie-Tooth disease type 1A; CMT 1A; Hereditary motor and sensory neuropathy 1A. Identifiers: Orphanet 101081, MedGen C0270911, MONDO:0007309, OMIM 118220.

Submissions (3):

GeneDx
Classification: Uncertain significance. Last evaluated: 2025-06-09. Review status: criteria provided, single submitter. Criteria: GeneDx Variant Classification Process June 2021. Collection method: clinical testing. Allele origin: germline. Affected: yes.
Comment: Reported previously in individuals with peripheral neuropathy or HNPP-like neuropathy; familial segregation unavailable (PMID: 27549087, 29127354); In vitro studies demonstrate mildly defective intracellular trafficking of the PMP22 protein to the cell membrane (PMID: 29127354); Not observed at significant frequency in large population cohorts (gnomAD); In silico analysis supports that this missense variant has a deleterious effect on protein structure/function; This variant is associated with the following publications: (PMID: 22820753, 29127354, 18254389, 27549087)

Labcorp Genetics (formerly Invitae), Labcorp
Classification: Uncertain significance for Charcot-Marie-Tooth disease, type I. Last evaluated: 2024-06-17. Review status: criteria provided, single submitter. Criteria: Invitae Variant Classification Sherloc (09022015). Collection method: clinical testing. Allele origin: germline.
Comment: This sequence change replaces cysteine, which is neutral and slightly polar, with arginine, which is basic and polar, at codon 42 of the PMP22 protein (p.Cys42Arg). This variant is not present in population databases (gnomAD no frequency). This missense change has been observed in individual(s) with hereditary neuropathy with liability to pressure palsies and/or PMP22-related conditions (PMID: 27549087, 29127354). ClinVar contains an entry for this variant (Variation ID: 2444073). Advanced modeling of protein sequence and biophysical properties (such as structural, functional, and spatial information, amino acid conservation, physicochemical variation, residue mobility, and thermodynamic stability) performed at Invitae indicates that this missense variant is expected to disrupt PMP22 protein function with a positive predictive value of 95%. In summary, the available evidence is currently insufficient to determine the role of this variant in disease. Therefore, it has been classified as a Variant of Uncertain Significance.

3billion
Classification: Uncertain significance for Charcot-Marie-Tooth disease, type IA. Last evaluated: 2023-02-23. Review status: criteria provided, single submitter. Criteria: ACMG Guidelines, 2015. Collection method: clinical testing. Allele origin: unknown. Affected: yes.
Comment: The variant is not observed in the gnomAD v2.1.1 dataset. In silico tool predictions suggest damaging effect of the variant on gene or gene product (REVEL: 0.95; 3Cnet: 1.00). Same nucleotide change resulting in same amino acid change has been previously reported to be associated with PMP22 related disorder (PMID: 27549087). However, the evidence of pathogenicity is insufficient at this time. Therefore, this variant is classified as VUS according to the recommendation of ACMG/AMP guideline.

Literature cited by the submitters: PubMed 27549087 (cited by Labcorp Genetics (formerly Invitae), Labcorp and 3billion); PubMed 29127354 (cited by Labcorp Genetics (formerly Invitae), Labcorp).

NM_000304.4(PMP22):c.124T>C (p.Cys42Arg)

Gene: PMP22 (peripheral myelin protein 22; minus strand). Cytogenetic location: 17p12.
Variant type: single nucleotide variant.
Coding change: c.124T>C on transcript NM_000304.4 (MANE Select); coding-DNA position 124, T replaced by C.
Protein change: p.Cys42Arg; replaces cysteine 42 with arginine.
Molecular consequence: missense variant. On other transcripts: non-coding transcript variant (1).
Genome position (GRCh38, 1-based): chr17:15,259,148, A>G on the plus strand (T>C on the coding strand, the complement: PMP22 is on the minus strand). VCF-style: chr17-15259148-A-G. GRCh37 (hg19) VCF-style: chr17-15162465-A-G.
Other names: c.124T>C, p.Cys42Arg (NM_001281455.2, NM_001281456.2, NM_001330143.2 and 2 more transcripts); short protein forms C42R.
Identifiers: ClinVar variation 2444073 (VCV002444073.5), dbSNP rs2508212058, ClinGen allele CA398270963.